The following is an entry in ClinVar:

NM_213720.3(CHCHD10):c.69G>C (p.Pro23=)

Gene: CHCHD10 (coiled-coil-helix-coiled-coil-helix domain containing 10; minus strand). Cytogenetic location: 22q11.23.
Variant type: single nucleotide variant.
Coding change: c.69G>C on transcript NM_213720.3 (MANE Select); coding-DNA position 69, G replaced by C.
Protein change: p.Pro23=; no amino-acid change (proline 23 retained).
Molecular consequence: synonymous variant.
Genome position (GRCh38, 1-based): chr22:23,767,566, C>G on the plus strand (G>C on the coding strand, the complement: CHCHD10 is on the minus strand). VCF-style: chr22-23767566-C-G. GRCh37 (hg19) VCF-style: chr22-24109753-C-G.
Other names: c.69G>C, p.Pro23= (NM_001301339.2).
Identifiers: ClinVar variation 2652970 (VCV002652970.24), dbSNP rs1298499214, ClinGen allele CA513745950.

ClinVar aggregate classification (germline): Likely benign (1 of 4 stars; one submission).

Submission:

CeGaT Center for Human Genetics Tuebingen
Classification: Likely benign. Last evaluated: 2023-08-01. Review status: criteria provided, single submitter. Criteria: CeGaT Center For Human Genetics Tuebingen Variant Classification Criteria Version 2. Collection method: clinical testing. Allele origin: germline. Affected: yes. Observed: 1 variant allele.
Comment: CHCHD10: BP4, BP7